The following is an entry in ClinVar:

ClinVar aggregate classification (germline): Uncertain significance. Review status: criteria provided, multiple submitters, no conflicts (2 of 4 stars). 3 submissions from 3 submitters: Uncertain significance (3). Last evaluated 2025-06-17.

Conditions:
Fanconi anemia (FA). Also called: Fanconi's anemia. Identifiers: Orphanet 84, MedGen C0015625, MeSH D005199, MONDO:0019391.
Fanconi anemia complementation group A (FANCA). Also called: Fanconi anemia, group A; FANCA-Related Fanconi Anemia. Identifiers: Orphanet 84, MedGen C3469521, MONDO:0009215, OMIM 227650.
Inborn genetic diseases. Identifiers: MedGen C0950123, MeSH D030342.

gnomAD v4.1: 1 of 1,614,130 alleles (0.000062%); highest among the groups gnomAD compares: Middle Eastern, 0.017%; no homozygotes.

Submissions (3):

Ambry Genetics
Classification: Uncertain significance for Inborn genetic diseases. Last evaluated: 2025-06-17. Review status: criteria provided, single submitter. Criteria: Ambry Variant Classification Scheme 2023. Collection method: clinical testing. Allele origin: germline.

St. Jude Molecular Pathology, St. Jude Children's Research Hospital
Classification: Uncertain significance for Fanconi anemia complementation group A. Last evaluated: 2024-03-15. Review status: criteria provided, single submitter. Criteria: St. Jude Assertion Criteria 2020. Collection method: clinical testing. Allele origin: germline.
Comment: The FANCA c.2126C>G (p.Pro709Arg) change is absent in gnomAD v2.1.1. The in silico tool REVEL predicts a benign effect on protein function, but this prediction has not been confirmed by functional studies. This variant has not been reported in individuals with Fanconi anemia. In summary, the evidence currently available is insufficient to determine the clinical significance of this variant. It has therefore been classified as of uncertain significance.

Labcorp Genetics (formerly Invitae), Labcorp
Classification: Uncertain significance for Fanconi anemia. Last evaluated: 2023-08-09. Review status: criteria provided, single submitter. Criteria: Invitae Variant Classification Sherloc (09022015). Collection method: clinical testing. Allele origin: germline.
Comment: Advanced modeling of protein sequence and biophysical properties (such as structural, functional, and spatial information, amino acid conservation, physicochemical variation, residue mobility, and thermodynamic stability) has been performed at Invitae for this missense variant, however the output from this modeling did not meet the statistical confidence thresholds required to predict the impact of this variant on FANCA protein function. In summary, the available evidence is currently insufficient to determine the role of this variant in disease. Therefore, it has been classified as a Variant of Uncertain Significance. This variant has not been reported in the literature in individuals affected with FANCA-related conditions. This variant is not present in population databases (gnomAD no frequency). This sequence change replaces proline, which is neutral and non-polar, with arginine, which is basic and polar, at codon 709 of the FANCA protein (p.Pro709Arg).

NM_000135.4(FANCA):c.2126C>G (p.Pro709Arg)

Gene: FANCA (FA complementation group A; minus strand). Cytogenetic location: 16q24.3.
Variant type: single nucleotide variant.
Coding change: c.2126C>G on transcript NM_000135.4 (MANE Select); coding-DNA position 2126, C replaced by G.
Protein change: p.Pro709Arg; replaces proline 709 with arginine.
Molecular consequence: missense variant.
Genome position (GRCh38, 1-based): chr16:89,771,703, G>C on the plus strand (C>G on the coding strand, the complement: FANCA is on the minus strand). VCF-style: chr16-89771703-G-C. GRCh37 (hg19) VCF-style: chr16-89838111-G-C.
Other names: c.2126C>G, p.Pro709Arg (NM_001286167.3); short protein forms P709R.
Identifiers: ClinVar variation 2798496 (VCV002798496.6), dbSNP rs148203537, ClinGen allele CA286566481.
Genomic context (GRCh38, chr16:89,771,703, plus strand): 5'-AGACCCCCTGCTTTGTTCTGAGCCCCTACACCTACCATGTGTTCCCGTGGCTCCAGTCTC[G>C]GCGTGTTGATGCTGAGCTGAATCTTTGATATCTCAACGCTGCTGTCATCCTCATTGTGGC-3'
Protein context (NP_000126.2, residues 699-719): ISKIQLSINT[Pro709Arg]RLEPREHMAV